The following is an entry in ClinVar:

ClinVar aggregate classification (germline): Uncertain significance. Review status: criteria provided, multiple submitters, no conflicts (2 of 4 stars). 2 submissions from 2 submitters: Uncertain significance (2). Last evaluated 2025-03-22.

Conditions:
Inborn genetic diseases. Identifiers: MedGen C0950123, MeSH D030342.

Allele frequency attached by ClinVar (database versions not stated): TOPMed 0.00002; gnomAD 0.00003; ExAC 0.00006; gnomAD exomes 0.00002; ESP Exome Variant Server 0.00008.
gnomAD v4.1: 33 of 1,606,414 alleles (0.0021%); highest among the groups gnomAD compares: East Asian, 0.011%; no homozygotes.

Submissions (2):

Ambry Genetics
Classification: Uncertain significance for Inborn genetic diseases. Last evaluated: 2025-03-22. Review status: criteria provided, single submitter. Criteria: Ambry Variant Classification Scheme 2023. Collection method: clinical testing. Allele origin: germline.

Labcorp Genetics (formerly Invitae), Labcorp
Classification: Uncertain significance. Last evaluated: 2022-06-08. Review status: criteria provided, single submitter. Criteria: Invitae Variant Classification Sherloc (09022015). Collection method: clinical testing. Allele origin: germline.
Comment: In summary, the available evidence is currently insufficient to determine the role of this variant in disease. Therefore, it has been classified as a Variant of Uncertain Significance. Algorithms developed to predict the effect of missense changes on protein structure and function are either unavailable or do not agree on the potential impact of this missense change (SIFT: "Tolerated"; PolyPhen-2: "Probably Damaging"; Align-GVGD: "Class C0"). This variant has not been reported in the literature in individuals affected with SLC34A3-related conditions. This variant is present in population databases (rs375498010, gnomAD 0.02%). This sequence change replaces glycine, which is neutral and non-polar, with arginine, which is basic and polar, at codon 518 of the SLC34A3 protein (p.Gly518Arg).

NM_001177316.2(SLC34A3):c.1552G>A (p.Gly518Arg)

Gene: SLC34A3 (solute carrier family 34 member 3; plus strand). Cytogenetic location: 9q34.3.
Variant type: single nucleotide variant.
Coding change: c.1552G>A on transcript NM_001177316.2 (MANE Select); coding-DNA position 1552, G replaced by A.
Protein change: p.Gly518Arg; replaces glycine 518 with arginine.
Molecular consequence: missense variant.
Genome position (GRCh38, 1-based): chr9:137,236,168, G>A. VCF-style: chr9-137236168-G-A. GRCh37 (hg19) VCF-style: chr9-140130620-G-A.
Other names: c.1552G>A (NM_080877.2); c.1552G>A, p.Gly518Arg (NM_001177317.2, NM_080877.3); short protein forms G518R.
Identifiers: ClinVar variation 1945933 (VCV001945933.6), dbSNP rs375498010, ClinGen allele CA5364993.